The following is an entry in ClinVar:

NM_000503.6(EYA1):c.1050+4A>G

Gene: EYA1 (EYA transcriptional coactivator and phosphatase 1; minus strand). Cytogenetic location: 8q13.3.
Variant type: single nucleotide variant.
Coding change: c.1050+4A>G on transcript NM_000503.6 (MANE Select); 4 bases into the intron after coding-DNA position 1050, A replaced by G.
Molecular consequence: intron variant.
Genome position (GRCh38, 1-based): chr8:71,269,736, T>C on the plus strand (A>G on the coding strand, the complement: EYA1 is on the minus strand). VCF-style: chr8-71269736-T-C. GRCh37 (hg19) VCF-style: chr8-72181971-T-C.
Other names: c.1119+4A>G (NM_001370336.1); c.1137+4A>G (NM_001370333.1); c.1050+4A>G (NM_001370335.1, NM_001370334.1, NM_172058.4); c.1122+4A>G (NM_172059.5); c.684+4A>G (NM_001288575.2); c.1032+4A>G (NM_001288574.2).
Identifiers: ClinVar variation 2016093 (VCV002016093.4), dbSNP rs2538021302, ClinGen allele CA2580078918.

ClinVar aggregate classification (germline): Pathogenic (1 of 4 stars; one submission).

Conditions:
Melnick-Fraser syndrome (BOR). Also called: Branchio-oto-renal syndrome; Branchiootorenal Syndrome (BORS); Branchiootorenal syndrome. Identifiers: Orphanet 107, MedGen C0265234, MONDO:0007029.

Submission:

Labcorp Genetics (formerly Invitae), Labcorp
Classification: Pathogenic for Melnick-Fraser syndrome. Last evaluated: 2022-10-03. Review status: criteria provided, single submitter. Criteria: Invitae Variant Classification Sherloc (09022015). Collection method: clinical testing. Allele origin: germline.
Comment: For these reasons, this variant has been classified as Pathogenic. Variants that disrupt the consensus splice site are a relatively common cause of aberrant splicing (PMID: 17576681, 9536098). Algorithms developed to predict the effect of sequence changes on RNA splicing suggest that this variant may disrupt the consensus splice site. This variant has been observed in individual(s) with clinical features of branchiootorenal syndrome (Invitae). In at least one individual the variant was observed to be de novo. This variant is not present in population databases (gnomAD no frequency). This sequence change falls in intron 11 of the EYA1 gene. It does not directly change the encoded amino acid sequence of the EYA1 protein. It affects a nucleotide within the consensus splice site.

Literature cited by the submitters: PubMed 17576681; PubMed 9536098.